The following is an entry in ClinVar:

NC_000023.10:g.(?_18525055)_(18528974_?)dup

Gene: CDKL5 (cyclin dependent kinase like 5; plus strand). Cytogenetic location: Xp22.13.
Variant type: Duplication.
Identifiers: ClinVar variation 417421 (VCV000417421.1).

ClinVar aggregate classification (germline): Uncertain significance (1 of 4 stars; one submission).

Conditions:
Developmental and epileptic encephalopathy, 2 (DEE2). Also called: INFANTILE SPASM SYNDROME, X-LINKED 2; CDKL5 deficiency disorder. Identifiers: Orphanet 1934, Orphanet 3451, Orphanet 505652, MedGen C4750718, MONDO:0010396, OMIM 300672.
Angelman syndrome-like. Identifiers: MedGen CN128785.

Submission:

Labcorp Genetics (formerly Invitae), Labcorp
Classification: Uncertain significance for Developmental and epileptic encephalopathy, 2; Angelman syndrome-like. Last evaluated: 2016-07-09. Review status: criteria provided, single submitter. Criteria: Invitae Variant Classification Sherloc (09022015). Collection method: clinical testing. Allele origin: germline.
Comment: This variant is a gross duplication of the genomic region encompassing exons 2-3 of the CDKL5 gene. The 5' end of this event is unknown as it extends beyond the assayed region for this gene and therefore may encompass additional genes. The 3' boundary is likely confined to intron 3 of the CDKL5 gene. To our knowledge, this duplication has not been reported in the population databases or the published literature. In summary, this variant is novel duplication of the first two coding exons of the CDKL5 gene. Because the 5' boundary and location of this duplication is unknown and the impact of this variant on protein function has not been established, it has been classified as a Variant of Uncertain Significance.